The following is an entry in ClinVar:

ClinVar aggregate classification (germline): Likely benign (1 of 4 stars; one submission).

Conditions:
Choanal atresia-athelia-hypothyroidism-delayed puberty-short stature syndrome (BCAHH). Also called: BRANCHIAL ARCH ABNORMALITIES, CHOANAL ATRESIA, ATHELIA, HEARING LOSS, AND HYPOTHYROIDISM SYNDROME. Identifiers: Orphanet 589856, MedGen C5680310, MONDO:0035651, OMIM 620186.

Submission:

Centre for Medical Genetics,  Mumbai
Classification: Likely benign for Choanal atresia-athelia-hypothyroidism-delayed puberty-short stature syndrome. Last evaluated: 2026-04-21. Review status: criteria provided, single submitter. Criteria: ACMG Guidelines, 2015. Collection method: provider interpretation. Allele origin: germline. Inheritance: Autosomal dominant inheritance. Affected: no. Observed: 1 variant allele, 1 heterozygote.
Comment: The variant satisfies PM2 criteria - extremely low frequency in gnomAD population databases. The variant satisfies PP2 criteria - missense variant in a gene with low rate of benign missense mutations and for which missense mutation is a common mechanism of a disease. However, the variant satisfies BS2 criteria - present in heterozygous state in an individual that clinically does not have Branchial arch abnormalities, choanal atresia, athelia, hearing loss, and hypothyroidism syndrome.

Literature cited by the submitters: PubMed 12002153.

NM_003482.4(KMT2D):c.7766C>T (p.Pro2589Leu)

Gene: KMT2D (lysine methyltransferase 2D; minus strand). Cytogenetic location: 12q13.12.
Variant type: single nucleotide variant.
Coding change: c.7766C>T on transcript NM_003482.4 (MANE Select); coding-DNA position 7766, C replaced by T.
Protein change: p.Pro2589Leu; replaces proline 2589 with leucine.
Molecular consequence: missense variant.
Genome position (GRCh38, 1-based): chr12:49,040,004, G>A on the plus strand (C>T on the coding strand, the complement: KMT2D is on the minus strand). VCF-style: chr12-49040004-G-A. GRCh37 (hg19) VCF-style: chr12-49433787-G-A.
Other names: short protein forms P2589L.
Identifiers: ClinVar variation 4852112 (VCV004852112.1).